The following is an entry in ClinVar:

ClinVar aggregate classification (germline): Likely pathogenic. Review status: criteria provided, multiple submitters, no conflicts (2 of 4 stars). 2 submissions from 2 submitters: Likely pathogenic (2). Last evaluated 2024-03-19.

Conditions:
Autosomal recessive limb-girdle muscular dystrophy type 2B (LGMDR2). Also called: Limb-Girdle Muscular Dystrophy Type 2B (LGMD2B); Limb-girdle muscular dystrophy, type 2B; MUSCULAR DYSTROPHY, LIMB-GIRDLE, AUTOSOMAL RECESSIVE 2; MUSCULAR DYSTROPHY, LIMB-GIRDLE, TYPE 3. Identifiers: Orphanet 268, MedGen C1850889, MONDO:0009676, OMIM 253601.
Neuromuscular disease caused by qualitative or quantitative defects of dysferlin. Also called: Qualitative or quantitative defects of dysferlin; Dysferlinopathy. Identifiers: Orphanet 207073, MedGen C2931687, MONDO:0016145.

Submissions (2):

Natera, Inc.
Classification: Likely pathogenic for Limb-girdle muscular dystrophy type 2B. Last evaluated: 2024-03-19. Review status: criteria provided, single submitter. Criteria: Natera Variant Classification Schema (03/2026). Collection method: clinical testing. Allele origin: germline.
Comment: The c.1180_1180+3delAGTG variant in DYSF is a frameshift variant predicted to shift the reading frame and introduce a stop codon. This variant is expected to result in nonsense mediated decay, truncation, or a dysfunctional protein product. This variant is rare in the general population with a frequency below the threshold expected for the associated phenotype(s). Given the available evidence, this variant is classified as Likely Pathogenic.

Labcorp Genetics (formerly Invitae), Labcorp
Classification: Likely pathogenic for Neuromuscular disease caused by qualitative or quantitative defects of dysferlin. Last evaluated: 2022-01-06. Review status: criteria provided, single submitter. Criteria: Invitae Variant Classification Sherloc (09022015). Collection method: clinical testing. Allele origin: germline.
Comment: This variant results in the deletion of part of exon 12 (c.1180_1180+3del) of the DYSF gene. It is expected to disrupt RNA splicing. Variants that disrupt the donor or acceptor splice site typically lead to a loss of protein function (PMID: 16199547), and loss-of-function variants in DYSF are known to be pathogenic (PMID: 17698709, 20301480). This variant is not present in population databases (gnomAD no frequency). This variant has not been reported in the literature in individuals affected with DYSF-related conditions. In summary, the currently available evidence indicates that the variant is pathogenic, but additional data are needed to prove that conclusively. Therefore, this variant has been classified as Likely Pathogenic. Algorithms developed to predict the effect of sequence changes on RNA splicing suggest that this variant may disrupt the consensus splice site.

Literature cited by the submitters: PubMed 16199547 (cited by Labcorp Genetics (formerly Invitae), Labcorp); PubMed 17698709 (cited by Labcorp Genetics (formerly Invitae), Labcorp); PubMed 20301480 (cited by Labcorp Genetics (formerly Invitae), Labcorp).

NM_001130987.2(DYSF):c.1276_1276+3del

Gene: DYSF (dysferlin; plus strand). Cytogenetic location: 2p13.2.
Variant type: Deletion.
Coding change: c.1276_1276+3del on transcript NM_001130987.2 (MANE Select); coding-DNA position 1276 through 3 bases into the intron after coding-DNA position 1276, 4 bases deleted (AGTG; older notation c.1276_1276+3delAGTG).
Molecular consequence: splice donor variant.
Genome position (GRCh38, 1-based): chr2:71,526,346-71,526,349, AGTG deleted; deleting any 4 consecutive bases within chr2:71,526,345-71,526,349 gives the same sequence; the c. name uses the placement nearest the transcript's 3' end. VCF-style (leftmost placement, unchanged base first): chr2-71526344-AGAGT-A. GRCh37 (hg19) VCF-style: chr2-71753474-AGAGT-A.
Other names: c.1273_1273+3del (NM_001130979.2, NM_001130981.2, NM_001130980.2); c.1180_1180+3del (NM_001130978.2, NM_003494.4, NM_001130977.2 and 1 more transcripts); c.1276_1276+3del (NM_001130982.2, NM_001130985.2); c.1183_1183+3del (NM_001130983.2, NM_001130455.2, NM_001130984.2 and 1 more transcripts); c.1180_1180+3delAGTG (NM_003494.3).
Identifiers: ClinVar variation 2076310 (VCV002076310.5), dbSNP rs2545492865, ClinGen allele CA2580067897.
Genomic context (GRCh38, chr2:71,526,344, plus strand): 5'-GCGTAGCCCTGCGAGGAGCCCACTTCTGCCTGAAGGTCTTCCGGGCCGAGGACTTGCCGC[AGAGT>A]GCGTGGGGCGCGCCCTTGGGTGGGAGGTCTGCAGGAGGCTGGAGGCGCAGGGCTGGTGGG-3'